The following is an entry in ClinVar:

ClinVar aggregate classification (germline): Uncertain significance (1 of 4 stars; one submission).

Conditions:
Charcot-Marie-Tooth disease axonal type 2O. Also called: CHARCOT-MARIE-TOOTH NEUROPATHY, AXONAL, TYPE 2O; CHARCOT-MARIE-TOOTH DISEASE, AXONAL, AUTOSOMAL DOMINANT, TYPE 2O; Charcot-Marie-Tooth disease, axonal, type 20; Charcot-Marie-Tooth Neuropathy Type 2O. Identifiers: Orphanet 284232, MedGen C3280220, MONDO:0013644, OMIM 614228.

Submission:

Labcorp Genetics (formerly Invitae), Labcorp
Classification: Uncertain significance for Charcot-Marie-Tooth disease axonal type 2O. Last evaluated: 2022-11-22. Review status: criteria provided, single submitter. Criteria: Invitae Variant Classification Sherloc (09022015). Collection method: clinical testing. Allele origin: germline.
Comment: This variant has not been reported in the literature in individuals affected with DYNC1H1-related conditions. This sequence change replaces glutamic acid, which is acidic and polar, with valine, which is neutral and non-polar, at codon 1708 of the DYNC1H1 protein (p.Glu1708Val). This variant is not present in population databases (gnomAD no frequency). ClinVar contains an entry for this variant (Variation ID: 1512369). Advanced modeling of protein sequence and biophysical properties (such as structural, functional, and spatial information, amino acid conservation, physicochemical variation, residue mobility, and thermodynamic stability) performed at Invitae indicates that this missense variant is expected to disrupt DYNC1H1 protein function. In summary, the available evidence is currently insufficient to determine the role of this variant in disease. Therefore, it has been classified as a Variant of Uncertain Significance.

NM_001376.5(DYNC1H1):c.5123A>T (p.Glu1708Val)

Gene: DYNC1H1 (dynein cytoplasmic 1 heavy chain 1; plus strand). Cytogenetic location: 14q32.31.
Variant type: single nucleotide variant.
Coding change: c.5123A>T on transcript NM_001376.5 (MANE Select); coding-DNA position 5123, A replaced by T.
Protein change: p.Glu1708Val; replaces glutamic acid 1708 with valine.
Molecular consequence: missense variant.
Genome position (GRCh38, 1-based): chr14:102,004,835, A>T. VCF-style: chr14-102004835-A-T. GRCh37 (hg19) VCF-style: chr14-102471172-A-T.
Other names: short protein forms E1708V.
Identifiers: ClinVar variation 1512369 (VCV001512369.8), dbSNP rs2141288705, ClinGen allele CA391045433.